The following is an entry in ClinVar:

ClinVar aggregate classification (germline): Likely benign (0 of 4 stars; one submission).

Conditions:
CHD1L-related disorder. Also called: CHD1L-related condition.

Submissions (4):

PreventionGenetics, part of Exact Sciences
Classification: Likely benign for CHD1L-related condition. Last evaluated: 2020-01-28. Review status: no assertion criteria provided. Collection method: clinical testing. Allele origin: germline.
Comment: This variant is classified as likely benign based on ACMG/AMP sequence variant interpretation guidelines (Richards et al. 2015 PMID: 25741868, with internal and published modifications).

Dr. Peter K. Rogan Lab, Western University
No classification provided (evidence only). Condition: Colon adenocarcinoma. Review status: no classification provided. Collection method: in vitro. Allele origin: not applicable. Functional consequence: retained intron. Not counted in ClinVar's aggregate classification.

Dr. Peter K. Rogan Lab, Western University
No classification provided (evidence only). Condition: Colon adenocarcinoma. Review status: no classification provided. Collection method: in vitro. Allele origin: not applicable. Functional consequence: retained intron. Not counted in ClinVar's aggregate classification.

Dr. Peter K. Rogan Lab, Western University
No classification provided (evidence only). Condition: Colon adenocarcinoma. Review status: no classification provided. Collection method: in vitro. Allele origin: not applicable. Functional consequence: retained intron. Not counted in ClinVar's aggregate classification.

NM_004284.6(CHD1L):c.896-10del

Gene: CHD1L (chromodomain helicase DNA binding protein 1 like; plus strand). Cytogenetic location: 1q21.1.
Variant type: Deletion.
Coding change: c.896-10del on transcript NM_004284.6 (MANE Select); 10 bases into the intron before coding-DNA position 896, one base deleted (T; older notation c.896-10delT).
Molecular consequence: intron variant.
Genome position (GRCh38, 1-based): chr1:147,267,416, T deleted; the last of 9 consecutive T bases (chr1:147,267,408-147,267,416); deleting any one gives the same sequence. VCF-style (leftmost placement, unchanged base first): chr1-147267407-CT-C. GRCh37 (hg19) VCF-style: chr1-146739066-CT-C.
Other names: NC_000001.10:g.146739075del; c.680-10del (NM_001348451.2, NM_001348452.2); c.53-10del (NM_001348462.2, NM_001348460.2, NM_001348465.2 and 9 more transcripts); c.407-10del (NM_001348455.2); c.557-10del (NM_024568.4, NM_001348453.2); c.596-10del (NM_001256336.3); c.440-10del (NM_001348454.2); c.284-10del (NM_001256338.3).
Identifiers: ClinVar variation 3050965 (VCV003050965.3), dbSNP rs781981891, ClinGen allele CA1063457.